The following is an entry in ClinVar:

NM_001134831.2(AHI1):c.932-7C>T

Gene: AHI1 (Abelson helper integration site 1; minus strand). Cytogenetic location: 6q23.3.
Variant type: single nucleotide variant.
Coding change: c.932-7C>T on transcript NM_001134831.2 (MANE Select); 7 bases into the intron before coding-DNA position 932, C replaced by T.
Molecular consequence: intron variant.
Genome position (GRCh38, 1-based): chr6:135,457,720, G>A on the plus strand (C>T on the coding strand, the complement: AHI1 is on the minus strand). VCF-style: chr6-135457720-G-A. GRCh37 (hg19) VCF-style: chr6-135778858-G-A.
Other names: c.932-7C>T (NM_017651.4, NM_001134830.2, NM_001350503.2 and 3 more transcripts).
Identifiers: ClinVar variation 1982269 (VCV001982269.7), dbSNP rs773551361, ClinGen allele CA4012706.
Genomic context (GRCh38, chr6:135,457,720, plus strand): 5'-GGCTTGTTATTTCATGAACACCATCACCATCAACATCTTCATTATTATCTGCAACTACAC[G>A]CATGGAAAAAAAAATCAATGTTATAATTAGTTGTTCCCATAGTAGTATTTACATATAACC-3'

ClinVar aggregate classification (germline): Conflicting classifications of pathogenicity. Review status: criteria provided, conflicting classifications (1 of 4 stars). 3 submissions from 3 submitters: Uncertain significance (1); Likely benign (1). 1 of the submissions does not count toward it. Last evaluated 2025-10-19.

Conditions:
AHI1-related disorder. Also called: AHI1-related condition.
Joubert syndrome 3 (JBTS3). Also called: AHI1-related Ciliopathy. Identifiers: Orphanet 220493, MedGen C1837713, MONDO:0012078, OMIM 608629.
Joubert syndrome. Also called: CEREBELLOPARENCHYMAL DISORDER IV; JOUBERT-BOLTSHAUSER SYNDROME; Familial aplasia of the vermis. Identifiers: Orphanet 475, MedGen C5979921, MONDO:0018772.

Allele frequency attached by ClinVar (database versions not stated): ExAC 0.00002.
gnomAD v4.1: 5 of 1,607,726 alleles (0.00031%); highest among the groups gnomAD compares: East Asian, 0.0022%; no homozygotes.

Submissions (3):

Labcorp Genetics (formerly Invitae), Labcorp
Classification: Likely benign for Joubert syndrome. Last evaluated: 2025-10-19. Review status: criteria provided, single submitter. Criteria: Invitae Variant Classification Sherloc (09022015). Collection method: clinical testing. Allele origin: germline.

Fulgent Genetics
Classification: Uncertain significance for Joubert syndrome 3. Last evaluated: 2024-01-29. Review status: criteria provided, single submitter. Criteria: ACMG Guidelines, 2015. Collection method: clinical testing. Allele origin: germline.

PreventionGenetics, part of Exact Sciences
Classification: Likely benign for AHI1-related condition. Last evaluated: 2022-11-08. Review status: no assertion criteria provided. Collection method: clinical testing. Allele origin: germline. Not counted in ClinVar's aggregate classification.
Comment: This variant is classified as likely benign based on ACMG/AMP sequence variant interpretation guidelines (Richards et al. 2015 PMID: 25741868, with internal and published modifications).